The following is an entry in ClinVar:

NM_001039141.3(TRIOBP):c.2096C>T (p.Ser699Phe)

Gene: TRIOBP (TRIO and F-actin binding protein; plus strand). Cytogenetic location: 22q13.1.
Variant type: single nucleotide variant.
Coding change: c.2096C>T on transcript NM_001039141.3 (MANE Select); coding-DNA position 2096, C replaced by T.
Protein change: p.Ser699Phe; replaces serine 699 with phenylalanine.
Molecular consequence: missense variant.
Genome position (GRCh38, 1-based): chr22:37,724,652, C>T. VCF-style: chr22-37724652-C-T. GRCh37 (hg19) VCF-style: chr22-38120659-C-T.
Other names: short protein forms S699F.
Identifiers: ClinVar variation 2085199 (VCV002085199.4), dbSNP rs760809501, ClinGen allele CA10223790.

ClinVar aggregate classification (germline): Uncertain significance (1 of 4 stars; one submission).

Allele frequency attached by ClinVar (database versions not stated): ExAC 0.00001; gnomAD exomes 0.00001.

Submission:

Labcorp Genetics (formerly Invitae), Labcorp
Classification: Uncertain significance. Last evaluated: 2025-07-09. Review status: criteria provided, single submitter. Criteria: Invitae Variant Classification Sherloc (09022015). Collection method: clinical testing. Allele origin: germline.
Comment: This sequence change replaces serine, which is neutral and polar, with phenylalanine, which is neutral and non-polar, at codon 699 of the TRIOBP protein (p.Ser699Phe). This variant is present in population databases (rs760809501, gnomAD 0.03%). This variant has not been reported in the literature in individuals affected with TRIOBP-related conditions. ClinVar contains an entry for this variant (Variation ID: 2085199). An algorithm developed to predict the effect of missense changes on protein structure and function (PolyPhen-2) suggests that this variant is likely to be tolerated. In summary, the available evidence is currently insufficient to determine the role of this variant in disease. Therefore, it has been classified as a Variant of Uncertain Significance.